The following is an entry in ClinVar:

ClinVar aggregate classification (germline): Uncertain significance (1 of 4 stars; one submission).

Submission:

CeGaT Center for Human Genetics Tuebingen
Classification: Uncertain significance. Last evaluated: 2022-08-01. Review status: criteria provided, single submitter. Criteria: CeGaT Center For Human Genetics Tuebingen Variant Classification Criteria Version 2. Collection method: clinical testing. Allele origin: germline. Affected: yes. Observed: 1 variant allele.
Comment: TET3: PM2, BP4

NM_001287491.2(TET3):c.1255C>A (p.Pro419Thr)

Gene: TET3 (tet methylcytosine dioxygenase 3; plus strand). Cytogenetic location: 2p13.1.
Variant type: single nucleotide variant.
Coding change: c.1255C>A on transcript NM_001287491.2 (MANE Select); coding-DNA position 1255, C replaced by A.
Protein change: p.Pro419Thr; replaces proline 419 with threonine.
Molecular consequence: missense variant.
Genome position (GRCh38, 1-based): chr2:74,047,172, C>A. VCF-style: chr2-74047172-C-A. GRCh37 (hg19) VCF-style: chr2-74274299-C-A.
Other names: c.976C>A, p.Pro326Thr (NM_001366022.1); c.850C>A, p.Pro284Thr (NM_144993.1); short protein forms P284T, P326T, P419T.
Identifiers: ClinVar variation 2651039 (VCV002651039.24), dbSNP rs2467433885, ClinGen allele CA347327337.